The following is an entry in ClinVar:

NM_001370595.2(COA8):c.388C>G (p.Gln130Glu)

Gene: COA8 (cytochrome c oxidase assembly factor 8; plus strand). Cytogenetic location: 14q32.33.
Variant type: single nucleotide variant.
Coding change: c.388C>G on transcript NM_001370595.2 (MANE Select); coding-DNA position 388, C replaced by G.
Protein change: p.Gln130Glu; replaces glutamine 130 with glutamic acid.
Molecular consequence: missense variant. On other transcripts: nonsense (1), non-coding transcript variant (2).
Genome position (GRCh38, 1-based): chr14:103,587,276, C>G. VCF-style: chr14-103587276-C-G. GRCh37 (hg19) VCF-style: chr14-104053613-C-G.
Other names: c.476C>G, p.Ser159Ter (NM_001302653.2); short protein forms Q130E, S159*.
Identifiers: ClinVar variation 1333711 (VCV001333711.1), dbSNP rs753824369, ClinGen allele CA391115653.

ClinVar aggregate classification (germline): Likely pathogenic (1 of 4 stars; one submission).

Conditions:
Mitochondrial complex IV deficiency, nuclear type 17. Also called: Mitochondrial complex 4 deficiency, nuclear type 17. Identifiers: MedGen C5436718, MONDO:0033652, OMIM 619061.

Submission:

3billion
Classification: Likely pathogenic for Mitochondrial complex IV deficiency, nuclear type 17. Last evaluated: 2022-01-03. Review status: criteria provided, single submitter. Criteria: ACMG Guidelines, 2015. Collection method: clinical testing. Allele origin: germline. Affected: yes. Observed: 1 homozygote.
Comment: Stop-gained (nonsense): predicted to result in a loss or disruption of normal protein function through protein truncation. The predicted truncated protein may be shortened by more than 10% (PVS1_S). It is not observed in the gnomAD v2.1.1 dataset (PM2_M). Therefore, this variant is classified as likely pathogenic according to the recommendation of ACMG/AMP guideline.